The following is an entry in ClinVar:

NM_000455.5(STK11):c.752G>A (p.Gly251Asp)

Gene: STK11 (serine/threonine kinase 11; plus strand). Cytogenetic location: 19p13.3.
Variant type: single nucleotide variant.
Coding change: c.752G>A on transcript NM_000455.5 (MANE Select); coding-DNA position 752, G replaced by A.
Protein change: p.Gly251Asp; replaces glycine 251 with aspartic acid.
Molecular consequence: missense variant.
Genome position (GRCh38, 1-based): chr19:1,221,230, G>A. VCF-style: chr19-1221230-G-A. GRCh37 (hg19) VCF-style: chr19-1221229-G-A.
Other names: short protein forms G251D.
Identifiers: ClinVar variation 1342913 (VCV001342913.4), dbSNP rs730881977, ClinGen allele CA023263.
Genomic context (GRCh38, chr19:1,221,230, plus strand): 5'-ACCTTGACTGACCACGCCTTTCTTCCCTCCCCTCGAAATGAAGCTACAACATCACCACGG[G>A]TCTGTACCCCTTCGAAGGGGACAACATCTACAAGTTGTTTGAGAACATCGGGAAGGGGAG-3'
Protein context (NP_000446.1, residues 241-261): AGVTLYNITT[Gly251Asp]LYPFEGDNIY

ClinVar aggregate classification (germline): Uncertain significance. Review status: criteria provided, single submitter (1 of 4 stars). 2 submissions from 2 submitters: Uncertain significance (1). 1 of the submissions does not count toward it. Last evaluated 2022-04-22.

Conditions:
Peutz-Jeghers syndrome (PJS). Also called: POLYPOSIS, HAMARTOMATOUS INTESTINAL; POLYPS-AND-SPOTS SYNDROME; Peutz-Jeghers polyposis; Periorificial lentiginosis syndrome. Identifiers: Orphanet 2869, MedGen C0031269, MeSH D010580, MONDO:0008280, OMIM 175200.
Hereditary cancer-predisposing syndrome. Also called: Hereditary Cancer Syndrome; Neoplastic Syndromes, Hereditary; Tumor predisposition; Hereditary neoplastic syndrome. Identifiers: Orphanet 140162, MedGen C0027672, MeSH D009386, MONDO:0015356.

Submissions (2):

Ambry Genetics
Classification: Uncertain significance for Hereditary cancer-predisposing syndrome. Last evaluated: 2022-04-22. Review status: criteria provided, single submitter. Criteria: Ambry Variant Classification Scheme 2023. Collection method: clinical testing. Allele origin: germline.
Comment: The p.G251D variant (also known as c.752G>A), located in coding exon 6 of the STK11 gene, results from a G to A substitution at nucleotide position 752. The glycine at codon 251 is replaced by aspartic acid, an amino acid with similar properties. This alteration has been identified in multiple individuals with Peutz-Jeghers Syndrome; however, it is unclear if these individuals are related (Tan H et al. BMC Med Genet, 2016 Nov;17:77; Wu BD et al. Biomed Res Int, 2020 May;2020:9159315). Based on internal structural analysis, this variant disrupts the structural stability of the protein (Zeqiraj E et al. Science, 2009 Dec;326:1707-11; Ambry internal data). This amino acid position is well conserved in available vertebrate species. In addition, the in silico prediction for this alteration is inconclusive. Since supporting evidence is limited at this time, the clinical significance of this alteration remains unclear.

Dr. Arun Seshachalam & Co, Dr. GVN Cancer Institute
Classification: Likely pathogenic for Peutz-Jeghers syndrome. Last evaluated: 2022-01-07. Review status: no assertion criteria provided. Collection method: clinical testing. Allele origin: germline. Inheritance: Autosomal dominant inheritance. Affected: yes. Observed: 1 heterozygote. Not counted in ClinVar's aggregate classification.
Comment: The Gly251Asp variant in STK11 has been reported in four different studies. The germline mutation of LKB1 gene was observed in 3 Peutz–Jeghers syndrome patients of Japanese origin; and was found to co-segregate with the disease phenotype in two Chinese studies. A molecular modelling study on nsSNPs in STK11 gene quoted the c.752G>A variant as damaging. Overall risk for cancer (PJS) was higher in exon 6 mutation carriers versus non exon 6 mutation carriers as per a study. In conclusion, the Gly251Asp variant meets the ACMG criteria to be classified as likely pathogenic. Further functional and segregation studies can help reclassify the variant.

Literature cited by the submitters: PubMed 19892943 (cited by Ambry Genetics); PubMed 27821076 (cited by Ambry Genetics); PubMed 32462036 (cited by Ambry Genetics); DOI 10.1093/jjco/hyr102 (cited by Dr. Arun Seshachalam & Co, Dr. GVN Cancer Institute); DOI 10.1155/2020/9159315 (cited by Dr. Arun Seshachalam & Co, Dr. GVN Cancer Institute); DOI 10.1186/s12881-016-0339-6 (cited by Dr. Arun Seshachalam & Co, Dr. GVN Cancer Institute); DOI 10.1038/s41598-019-52308-0 (cited by Dr. Arun Seshachalam & Co, Dr. GVN Cancer Institute); DOI 10.1136/gut.2005.082990 (cited by Dr. Arun Seshachalam & Co, Dr. GVN Cancer Institute).